The following is an entry in ClinVar:

NM_001267550.2(TTN):c.102247A>G (p.Lys34083Glu)

Genes: TTN-AS1 (TTN antisense RNA 1; plus strand), TTN (titin; minus strand). Cytogenetic location: 2q31.2.
Variant type: single nucleotide variant.
Coding change: c.102247A>G on transcript NM_001267550.2 (MANE Select); coding-DNA position 102247, A replaced by G.
Protein change: p.Lys34083Glu; replaces lysine 34083 with glutamic acid.
Molecular consequence: missense variant.
Genome position (GRCh38, 1-based): chr2:178,534,368, T>C on the plus strand (A>G on the coding strand, the complement: TTN is on the minus strand). VCF-style: chr2-178534368-T-C. GRCh37 (hg19) VCF-style: chr2-179399095-T-C.
Other names: c.97324A>G, p.Lys32442Glu (NM_001256850.1); c.75052A>G, p.Lys25018Glu (NM_003319.4); c.94543A>G, p.Lys31515Glu (NM_133378.4); c.75427A>G, p.Lys25143Glu (NM_133432.3); c.75628A>G, p.Lys25210Glu (NM_133437.4); short protein forms K32442E, K31515E, K25018E, K25143E, K25210E, K34083E.
Identifiers: ClinVar variation 4791096 (VCV004791096.1).
Genomic context (GRCh38, chr2:178,534,368, plus strand): 5'-TGAGGTCTTTCTTGATCAGGGTGTGGTAATAACGCCGGTGTTTTAATGTTCTGATAACTT[T>C]AGTACTGACTCTTTCTATCTTCTGCTTCAACCATGGGTGCTGGAGAGCCTCCGATGCTGT-3'
Protein context (NP_001254479.2, residues 34073-34093): LKQKIERVST[Lys34083Glu]VIRTLKHRRY

ClinVar aggregate classification (germline): Uncertain significance (1 of 4 stars; one submission).

Conditions:
Autosomal recessive limb-girdle muscular dystrophy type 2J (LGMDR10). Also called: Limb-girdle muscular dystrophy, type 2J; MUSCULAR DYSTROPHY, LIMB-GIRDLE, AUTOSOMAL RECESSIVE 10. Identifiers: Orphanet 140922, MedGen C1837342, MONDO:0012127, OMIM 608807.
Dilated cardiomyopathy 1G (CMD1G). Identifiers: Orphanet 154, MedGen C1858763, MONDO:0011400, OMIM 604145.

Submission:

Labcorp Genetics (formerly Invitae), Labcorp
Classification: Uncertain significance for Dilated cardiomyopathy 1G; Autosomal recessive limb-girdle muscular dystrophy type 2J. Last evaluated: 2025-05-14. Review status: criteria provided, single submitter. Criteria: Invitae Variant Classification Sherloc (09022015). Collection method: clinical testing. Allele origin: germline.
Comment: This sequence change replaces lysine, which is basic and polar, with glutamic acid, which is acidic and polar, at codon 34083 of the TTN protein (p.Lys34083Glu). This variant is not present in population databases (gnomAD no frequency). This variant has not been reported in the literature in individuals affected with TTN-related conditions. Experimental studies and prediction algorithms are not available or were not evaluated, and the functional significance of this variant is currently unknown. This variant is located in the M band of TTN (PMID: 25589632). Non-truncating variants in this region may be relevant for neuromuscular disorders, but have not been definitively shown to cause cardiomyopathy (PMID: 23975875). In summary, the available evidence is currently insufficient to determine the role of this variant in disease. Therefore, it has been classified as a Variant of Uncertain Significance.

Literature cited by the submitters: PubMed 25589632; PubMed 23975875.